The following is an entry in ClinVar:

ClinVar aggregate classification (germline): Uncertain significance (1 of 4 stars; one submission).

Conditions:
Congenital factor V deficiency. Also called: LABILE FACTOR DEFICIENCY; OWREN PARAHEMOPHILIA; PARAHEMOPHILIA; Hereditary factor V deficiency disease. Identifiers: Orphanet 326, MedGen C0015499, MONDO:0009210, OMIM 227400.

gnomAD v4.1: 1 of 1,613,772 alleles (0.000062%); highest among the groups gnomAD compares: Non-Finnish European, 0.000085%; no homozygotes.

Submission:

Labcorp Genetics (formerly Invitae), Labcorp
Classification: Uncertain significance for Congenital factor V deficiency. Last evaluated: 2025-06-30. Review status: criteria provided, single submitter. Criteria: Invitae Variant Classification Sherloc (09022015). Collection method: clinical testing. Allele origin: germline.
Comment: This sequence change replaces methionine, which is neutral and non-polar, with threonine, which is neutral and polar, at codon 666 of the F5 protein (p.Met666Thr). This variant is not present in population databases (gnomAD no frequency). This variant has not been reported in the literature in individuals affected with F5-related conditions. Invitae Evidence Modeling of protein sequence and biophysical properties (such as structural, functional, and spatial information, amino acid conservation, physicochemical variation, residue mobility, and thermodynamic stability) indicates that this missense variant is not expected to disrupt F5 protein function with a negative predictive value of 80%. In summary, the available evidence is currently insufficient to determine the role of this variant in disease. Therefore, it has been classified as a Variant of Uncertain Significance.

NM_000130.5(F5):c.1997T>C (p.Met666Thr)

Gene: F5 (coagulation factor V; minus strand). Cytogenetic location: 1q24.2.
Variant type: single nucleotide variant.
Coding change: c.1997T>C on transcript NM_000130.5 (MANE Select); coding-DNA position 1997, T replaced by C.
Protein change: p.Met666Thr; replaces methionine 666 with threonine.
Molecular consequence: missense variant.
Genome position (GRCh38, 1-based): chr1:169,543,093, A>G on the plus strand (T>C on the coding strand, the complement: F5 is on the minus strand). VCF-style: chr1-169543093-A-G. GRCh37 (hg19) VCF-style: chr1-169512331-A-G.
Other names: short protein forms M666T.
Identifiers: ClinVar variation 4751572 (VCV004751572.1).